The following is an entry in ClinVar:

NM_016341.4(PLCE1):c.1201T>C (p.Tyr401His)

Gene: PLCE1 (phospholipase C epsilon 1; plus strand). Cytogenetic location: 10q23.33.
Variant type: single nucleotide variant.
Coding change: c.1201T>C on transcript NM_016341.4 (MANE Select); coding-DNA position 1201, T replaced by C.
Protein change: p.Tyr401His; replaces tyrosine 401 with histidine.
Molecular consequence: missense variant.
Genome position (GRCh38, 1-based): chr10:94,032,247, T>C. VCF-style: chr10-94032247-T-C. GRCh37 (hg19) VCF-style: chr10-95792004-T-C.
Other names: c.1201T>C, p.Tyr401His (NM_001288989.2); short protein forms Y401H.
Identifiers: ClinVar variation 586318 (VCV000586318.8), dbSNP rs201401363, ClinGen allele CA5612248.
Genomic context (GRCh38, chr10:94,032,247, plus strand): 5'-CCCCCGTCAACAGTGGAGATAAGGCAAGATGGGAGCCAACGTCTGTCAGAAGCCCAGTGG[T>C]ATCCTGTAAGCATTTGAGTTTCTTTTTACCATTTCTTTAAACTTGCTTTTTTTTTCAAAA-3'
Protein context (NP_057425.3, residues 391-411): GSQRLSEAQW[Tyr401His]PIYNAVRREE

ClinVar aggregate classification (germline): Uncertain significance. Review status: criteria provided, multiple submitters, no conflicts (2 of 4 stars). 4 submissions from 4 submitters: Uncertain significance (4). Last evaluated 2022-06-29.

Conditions:
Nephrotic syndrome, type 3 (NPHS3). Also called: NEPHROTIC SYNDROME, EARLY-ONSET, TYPE 3. Identifiers: Orphanet 656, MedGen C1853124, MONDO:0012546, OMIM 610725.

Allele frequency attached by ClinVar (database versions not stated): gnomAD exomes 0.00003 and 0.00007; ExAC 0.00010; ESP Exome Variant Server 0.00025; 1000 Genomes Project 30x 0.00031; gnomAD 0.00034 and 0.00035; TOPMed 0.00038; 1000 Genomes Project 0.00040.
gnomAD v4.1: 92 of 1,613,210 alleles (0.0057%); highest among the groups gnomAD compares: African/African-American, 0.11%; 2 homozygotes.

Submissions (4):

Labcorp Genetics (formerly Invitae), Labcorp
Classification: Uncertain significance. Last evaluated: 2022-06-29. Review status: criteria provided, single submitter. Criteria: Invitae Variant Classification Sherloc (09022015). Collection method: clinical testing. Allele origin: germline.
Comment: This sequence change replaces tyrosine, which is neutral and polar, with histidine, which is basic and polar, at codon 401 of the PLCE1 protein (p.Tyr401His). This variant is present in population databases (rs201401363, gnomAD 0.1%). This variant has not been reported in the literature in individuals affected with PLCE1-related conditions. ClinVar contains an entry for this variant (Variation ID: 586318). Algorithms developed to predict the effect of missense changes on protein structure and function output the following: SIFT: "Tolerated"; PolyPhen-2: "Benign"; Align-GVGD: "Class C0". The histidine amino acid residue is found in multiple mammalian species, which suggests that this missense change does not adversely affect protein function. In summary, the available evidence is currently insufficient to determine the role of this variant in disease. Therefore, it has been classified as a Variant of Uncertain Significance.

Fulgent Genetics
Classification: Uncertain significance for Nephrotic syndrome, type 3. Last evaluated: 2022-04-11. Review status: criteria provided, single submitter. Criteria: ACMG Guidelines, 2015. Collection method: clinical testing. Allele origin: unknown.

Athena Diagnostics
Classification: Uncertain significance. Last evaluated: 2018-06-19. Review status: criteria provided, single submitter. Criteria: Athena Diagnostics Criteria. Collection method: clinical testing. Allele origin: germline.

Illumina Laboratory Services, Illumina
Classification: Uncertain significance for Nephrotic syndrome, type 3. Last evaluated: 2018-01-13. Review status: criteria provided, single submitter. Criteria: ICSL Variant Classification Criteria 13 December 2019. Collection method: clinical testing. Allele origin: germline.